The following is an entry in ClinVar:

NM_000108.5(DLD):c.860G>A (p.Gly287Glu)

Gene: DLD (dihydrolipoamide dehydrogenase; plus strand). Cytogenetic location: 7q31.1.
Variant type: single nucleotide variant.
Coding change: c.860G>A on transcript NM_000108.5 (MANE Select); coding-DNA position 860, G replaced by A.
Protein change: p.Gly287Glu; replaces glycine 287 with glutamic acid.
Molecular consequence: missense variant.
Genome position (GRCh38, 1-based): chr7:107,915,681, G>A. VCF-style: chr7-107915681-G-A. GRCh37 (hg19) VCF-style: chr7-107556126-G-A.
Other names: c.563G>A, p.Gly188Glu (NM_001289750.1); c.791G>A, p.Gly264Glu (NM_001289751.1); c.716G>A, p.Gly239Glu (NM_001289752.1); short protein forms G287E, G239E, G188E, G264E.
Identifiers: ClinVar variation 358569 (VCV000358569.14), dbSNP rs202125745, ClinGen allele CA4434567.

ClinVar aggregate classification (germline): Uncertain significance. Review status: criteria provided, multiple submitters, no conflicts (2 of 4 stars). 7 submissions from 5 submitters: Uncertain significance (7). Last evaluated 2025-12-04.

Conditions:
Pyruvate dehydrogenase E3 deficiency (DLDD). Also called: MAPLE SYRUP URINE DISEASE, TYPE III; Dihydrolipoamide Dehydrogenase E3 Deficiency; DLD DEFICIENCY; E3 DEFICIENCY; Lipoamide dehydrogenase deficiency, lactic acidosis due to; Lipoamide dehydrogenase deficiency. Identifiers: Orphanet 2394, Orphanet 765, MedGen C5574660, MONDO:0009529, OMIM 246900.
Pyruvate dehydrogenase complex deficiency (PDHC). Also called: Ataxia with lactic acidosis 1; PYRUVATE DECARBOXYLASE DEFICIENCY; PDH DEFICIENCY; Pyruvate Dehydrogenase Complex Deficiency Disease; Pyruvate dehydrogenase deficiency. Identifiers: Orphanet 765, Orphanet 79243, MedGen C0034345, MONDO:0019169.
Leigh syndrome (NULS). Also called: Subacute necrotizing encephalopathy; Necrotizing encephalopathy infantile subacute of Leigh; LEIGH SYNDROME, NUCLEAR; Leigh's necrotizing encephalopathy; Leigh's disease; Leigh's syndrome. Identifiers: Orphanet 506, MedGen C2931891, MONDO:0009723, OMIM 256000.
Inborn genetic diseases. Identifiers: MedGen C0950123, MeSH D030342.

Allele frequency attached by ClinVar (database versions not stated): ExAC 0.00006; gnomAD exomes 0.00007 and 0.00010; TOPMed 0.00011; gnomAD 0.00014 and 0.00016; ESP Exome Variant Server 0.00023.

Submissions (7):

Ambry Genetics
Classification: Uncertain significance for Inborn genetic diseases. Last evaluated: 2025-12-04. Review status: criteria provided, single submitter. Criteria: Ambry Variant Classification Scheme 2023. Collection method: clinical testing. Allele origin: germline.

CeGaT Center for Human Genetics Tuebingen
Classification: Uncertain significance. Last evaluated: 2025-12-01. Review status: criteria provided, single submitter. Criteria: CeGaT Center For Human Genetics Tuebingen Variant Classification Criteria Version 2. Collection method: clinical testing. Allele origin: germline. Affected: yes. Observed: 1 variant allele.
Comment: DLD: PM2, PP3

GeneDx
Classification: Uncertain significance. Last evaluated: 2023-12-10. Review status: criteria provided, single submitter. Criteria: GeneDx Variant Classification Process June 2021. Collection method: clinical testing. Allele origin: germline. Affected: yes.
Comment: Not observed at significant frequency in large population cohorts (gnomAD); In silico analysis supports that this missense variant has a deleterious effect on protein structure/function; Has not been previously published as pathogenic or benign to our knowledge

Labcorp Genetics (formerly Invitae), Labcorp
Classification: Uncertain significance for Pyruvate dehydrogenase E3 deficiency. Last evaluated: 2022-07-02. Review status: criteria provided, single submitter. Criteria: Invitae Variant Classification Sherloc (09022015). Collection method: clinical testing. Allele origin: germline.
Comment: This sequence change replaces glycine, which is neutral and non-polar, with glutamic acid, which is acidic and polar, at codon 287 of the DLD protein (p.Gly287Glu). This variant is present in population databases (rs202125745, gnomAD 0.01%). This variant has not been reported in the literature in individuals affected with DLD-related conditions. ClinVar contains an entry for this variant (Variation ID: 358569). Algorithms developed to predict the effect of missense changes on protein structure and function are either unavailable or do not agree on the potential impact of this missense change (SIFT: "Tolerated"; PolyPhen-2: "Possibly Damaging"; Align-GVGD: "Class C0"). In summary, the available evidence is currently insufficient to determine the role of this variant in disease. Therefore, it has been classified as a Variant of Uncertain Significance.

Illumina Laboratory Services, Illumina
Classification: Uncertain significance for Pyruvate dehydrogenase complex deficiency. Last evaluated: 2018-01-12. Review status: criteria provided, single submitter. Criteria: ICSL Variant Classification Criteria 13 December 2019. Collection method: clinical testing. Allele origin: germline.

Illumina Laboratory Services, Illumina
Classification: Uncertain significance for Pyruvate dehydrogenase E3 deficiency. Last evaluated: 2018-01-12. Review status: criteria provided, single submitter. Criteria: ICSL Variant Classification Criteria 13 December 2019. Collection method: clinical testing. Allele origin: germline.

Illumina Laboratory Services, Illumina
Classification: Uncertain significance for Leigh syndrome. Last evaluated: 2018-01-12. Review status: criteria provided, single submitter. Criteria: ICSL Variant Classification Criteria 13 December 2019. Collection method: clinical testing. Allele origin: germline.